The following is an entry in ClinVar:

NM_000274.4(OAT):c.416T>G (p.Met139Arg)

Gene: OAT (ornithine aminotransferase; minus strand). Cytogenetic location: 10q26.13.
Variant type: single nucleotide variant.
Coding change: c.416T>G on transcript NM_000274.4 (MANE Select); coding-DNA position 416, T replaced by G.
Protein change: p.Met139Arg; replaces methionine 139 with arginine.
Molecular consequence: missense variant. On other transcripts: initiator codon variant (1), 5 prime UTR variant (1), intron variant (1).
Genome position (GRCh38, 1-based): chr10:124,408,749, A>C on the plus strand (T>G on the coding strand, the complement: OAT is on the minus strand). VCF-style: chr10-124408749-A-C. GRCh37 (hg19) VCF-style: chr10-126097318-A-C.
Other names: c.2T>G, p.Met1Arg (NM_001171814.2); c.416T>G, p.Met139Arg (NM_001322965.2, NM_001322966.2, NM_001322967.2 and 3 more transcripts); c.-299T>G (NM_001322974.2); c.200-3186T>G (NM_001322971.2); c.2T>G (NM_001171814.1); c.416T>G (NM_000274.3); short protein forms M139R, M1R.
Identifiers: ClinVar variation 1027070 (VCV001027070.14), dbSNP rs1043163922, ClinGen allele CA215254025.

ClinVar aggregate classification (germline): Conflicting classifications of pathogenicity. Review status: criteria provided, conflicting classifications (1 of 4 stars). 5 submissions from 5 submitters: Likely pathogenic (2); Uncertain significance (3). Last evaluated 2026-05-04.

Conditions:
Ornithine aminotransferase deficiency (GACR). Also called: HYPERORNITHINEMIA WITH GYRATE ATROPHY OF CHOROID AND RETINA; Ornithine ketoacid aminotransferase deficiency; Gyrate atrophy; Gyrate atrophy of choroid and retina; Girate atrophy of the retina; OKT DEFICIENCY. Identifiers: Orphanet 414, MedGen C0018425, MONDO:0009796, OMIM 258870.
OAT-related disorder. Also called: OAT-related condition.

Allele frequency attached by ClinVar (database versions not stated): gnomAD exomes below 0.00001 and 0.00001; gnomAD 0.00001; TOPMed 0.00001.

Submissions (5):

GeneDx
Classification: Likely pathogenic. Last evaluated: 2026-05-04. Review status: criteria provided, single submitter. Criteria: GeneDx Variant Classification Process June 2021. Collection method: clinical testing. Allele origin: germline.
Comment: Not observed at significant frequency in large population cohorts (gnomAD); In silico analysis supports that this missense variant has a deleterious effect on protein structure/function; This variant is associated with the following publications: (PMID: 32483926, de Oliveira Pereira2024[CaseReport])

Myriad Genetics, Inc.
Classification: Uncertain significance for Ornithine aminotransferase deficiency. Last evaluated: 2025-09-09. Review status: criteria provided, single submitter. Criteria: Myriad Autosomal Dominant, Autosomal Recessive and X-Linked Classification Criteria (2023). Collection method: clinical testing. Allele origin: unknown.
Comment: NM_000274.3(OAT):c.416T>G(M139R) is a missense variant classified as a variant of uncertain significance in the context of ornithine aminotransferase deficiency. M139R has been observed in a case with relevant disease (PMID: 32483926). Relevant functional assessments of this variant are not available in the literature. M139R has been observed in referenced population frequency databases. In summary, there is insufficient evidence to classify NM_000274.3(OAT):c.416T>G(M139R) as pathogenic or benign. Please note: this variant was assessed in the context of healthy population screening.

PreventionGenetics, part of Exact Sciences
Classification: Uncertain significance for OAT-related condition. Last evaluated: 2025-04-14. Review status: criteria provided, single submitter. Criteria: ACMG Guidelines, 2015. Collection method: clinical testing. Allele origin: germline.
Comment: The OAT c.2T>G variant is predicted to disrupt the translation initiation site (Start Loss). This variant is alternatively referred to as c.416T>G, p.Met139Arg in the canonical transcript NM_000274 and has been reported in the homozygous state in an individual with non-syndromic retinitis pigmentosa (Diñeiro et al. 2020. PubMed ID: 32483926). This variant is reported in 0.0028% of alleles in individuals of Latino descent in gnomAD. Although we suspect that this variant may be pathogenic, at this time, the clinical significance of this variant is uncertain due to the absence of conclusive functional and genetic evidence.

Labcorp Genetics (formerly Invitae), Labcorp
Classification: Uncertain significance for Ornithine aminotransferase deficiency. Last evaluated: 2024-12-02. Review status: criteria provided, single submitter. Criteria: Invitae Variant Classification Sherloc (09022015). Collection method: clinical testing. Allele origin: germline.
Comment: This sequence change replaces methionine, which is neutral and non-polar, with arginine, which is basic and polar, at codon 139 of the OAT protein (p.Met139Arg). This variant is present in population databases (no rsID available, gnomAD 0.003%). This missense change has been observed in individual(s) with gyrate atrophy (internal data). ClinVar contains an entry for this variant (Variation ID: 1027070). Invitae Evidence Modeling of protein sequence and biophysical properties (such as structural, functional, and spatial information, amino acid conservation, physicochemical variation, residue mobility, and thermodynamic stability) indicates that this missense variant is expected to disrupt OAT protein function with a positive predictive value of 80%. In summary, the available evidence is currently insufficient to determine the role of this variant in disease. Therefore, it has been classified as a Variant of Uncertain Significance.

Baylor Genetics
Classification: Likely pathogenic for Ornithine aminotransferase deficiency. Last evaluated: 2024-03-13. Review status: criteria provided, single submitter. Criteria: ACMG Guidelines, 2015. Collection method: clinical testing. Allele origin: unknown.

Literature cited by the submitters: PubMed 32483926 (cited by Myriad Genetics, Inc.).